The following is an entry in ClinVar:

ClinVar aggregate classification (germline): Uncertain significance (1 of 4 stars; one submission).

Submission:

GeneDx
Classification: Uncertain significance. Last evaluated: 2025-05-12. Review status: criteria provided, single submitter. Criteria: GeneDx Variant Classification Process June 2021. Collection method: clinical testing. Allele origin: germline. Affected: yes.
Comment: Not observed at significant frequency in large population cohorts (gnomAD); In silico analysis supports that this missense variant has a deleterious effect on protein structure/function; Has not been previously published as pathogenic or benign to our knowledge; This variant is associated with the following publications: (PMID: 25240749)

NM_001854.4(COL11A1):c.3250G>C (p.Gly1084Arg)

Gene: COL11A1 (collagen type XI alpha 1 chain; minus strand). Cytogenetic location: 1p21.1.
Variant type: single nucleotide variant.
Coding change: c.3250G>C on transcript NM_001854.4 (MANE Select); coding-DNA position 3250, G replaced by C.
Protein change: p.Gly1084Arg; replaces glycine 1084 with arginine.
Molecular consequence: missense variant. On other transcripts: non-coding transcript variant (1).
Genome position (GRCh38, 1-based): chr1:102,946,875, C>G on the plus strand (G>C on the coding strand, the complement: COL11A1 is on the minus strand). VCF-style: chr1-102946875-C-G. GRCh37 (hg19) VCF-style: chr1-103412431-C-G.
Other names: c.3133G>C, p.Gly1045Arg (NM_001190709.2); c.3286G>C, p.Gly1096Arg (NM_080629.3); c.2902G>C, p.Gly968Arg (NM_080630.4); short protein forms G1045R, G1084R, G1096R, G968R.
Identifiers: ClinVar variation 4529796 (VCV004529796.1).